The following is an entry in ClinVar:

ClinVar aggregate classification (germline): Uncertain significance (1 of 4 stars; one submission).

gnomAD v4.1: 12 of 1,613,800 alleles (0.00074%); highest among the groups gnomAD compares: African/African-American, 0.0013%; no homozygotes.

Submission:

Labcorp Genetics (formerly Invitae), Labcorp
Classification: Uncertain significance. Last evaluated: 2025-05-22. Review status: criteria provided, single submitter. Criteria: Invitae Variant Classification Sherloc (09022015). Collection method: clinical testing. Allele origin: germline.
Comment: This sequence change affects a donor splice site in intron 4 of the CETP gene. It is expected to disrupt RNA splicing. Variants that disrupt the donor or acceptor splice site typically lead to a loss of protein function (PMID: 16199547), however the current clinical and genetic evidence is not sufficient to establish whether loss-of-function variants in CETP cause disease. This variant is present in population databases (no rsID available, gnomAD 0.0009%). This variant has not been reported in the literature in individuals affected with CETP-related conditions. Algorithms developed to predict the effect of sequence changes on RNA splicing suggest that this variant may disrupt the consensus splice site. In summary, the available evidence is currently insufficient to determine the role of this variant in disease. Therefore, it has been classified as a Variant of Uncertain Significance.

Literature cited by the submitters: PubMed 16199547.

NM_000078.3(CETP):c.439+1G>A

Gene: CETP (cholesteryl ester transfer protein; plus strand). Cytogenetic location: 16q13.
Variant type: single nucleotide variant.
Coding change: c.439+1G>A on transcript NM_000078.3 (MANE Select); the canonical splice donor site of the intron after coding-DNA position 439, G replaced by A.
Molecular consequence: splice donor variant.
Genome position (GRCh38, 1-based): chr16:56,969,682, G>A. VCF-style: chr16-56969682-G-A. GRCh37 (hg19) VCF-style: chr16-57003594-G-A.
Other names: c.439+1G>A (NM_001286085.2).
Identifiers: ClinVar variation 4753773 (VCV004753773.1).